The following is an entry in ClinVar:

ClinVar aggregate classification (germline): Uncertain significance (1 of 4 stars; one submission).

Allele frequency attached by ClinVar (database versions not stated): gnomAD exomes below 0.00001.
gnomAD v4.1: 5 of 1,612,866 alleles (0.00031%); highest among the groups gnomAD compares: South Asian, 0.0011%; no homozygotes.

Submission:

Labcorp Genetics (formerly Invitae), Labcorp
Classification: Uncertain significance. Last evaluated: 2023-09-11. Review status: criteria provided, single submitter. Criteria: Invitae Variant Classification Sherloc (09022015). Collection method: clinical testing. Allele origin: germline.
Comment: In summary, the available evidence is currently insufficient to determine the role of this variant in disease. Therefore, it has been classified as a Variant of Uncertain Significance. Advanced modeling of protein sequence and biophysical properties (such as structural, functional, and spatial information, amino acid conservation, physicochemical variation, residue mobility, and thermodynamic stability) performed at Invitae indicates that this missense variant is not expected to disrupt ITPR1 protein function. This variant has not been reported in the literature in individuals affected with ITPR1-related conditions. This variant is not present in population databases (gnomAD no frequency). This sequence change replaces arginine, which is basic and polar, with glutamine, which is neutral and polar, at codon 2246 of the ITPR1 protein (p.Arg2246Gln).

NM_001378452.1(ITPR1):c.6926G>A (p.Arg2309Gln)

Gene: ITPR1 (inositol 1,4,5-trisphosphate receptor type 1; plus strand). Cytogenetic location: 3p26.1.
Variant type: single nucleotide variant.
Coding change: c.6926G>A on transcript NM_001378452.1 (MANE Select); coding-DNA position 6926, G replaced by A.
Protein change: p.Arg2309Gln; replaces arginine 2309 with glutamine.
Molecular consequence: missense variant.
Genome position (GRCh38, 1-based): chr3:4,795,182, G>A. VCF-style: chr3-4795182-G-A. GRCh37 (hg19) VCF-style: chr3-4836866-G-A.
Other names: c.6782G>A, p.Arg2261Gln (NM_001099952.4); c.6881G>A, p.Arg2294Gln (NM_001168272.2); c.6737G>A, p.Arg2246Gln (NM_002222.7); short protein forms R2246Q, R2261Q, R2294Q, R2309Q.
Identifiers: ClinVar variation 3004104 (VCV003004104.3), dbSNP rs1457247304, ClinGen allele CA351642812.
Genomic context (GRCh38, chr3:4,795,182, plus strand): 5'-TTAACCTGGCCGTCCTGATGAACCTGCTGGTGGCGTTTTTCTACCCGTTTAAGGGAGTCC[G>A]AGGAGGTACCCATATCTTTAACTTCAAAAATCCTATTAGAAGCAGCAGGAAGGCTAGGAC-3'
Protein context (NP_001365381.1, residues 2299-2319): VAFFYPFKGV[Arg2309Gln]GGTLEPHWSG